The following is an entry in ClinVar:

ClinVar aggregate classification (germline): Likely benign (1 of 4 stars; one submission).

Allele frequency attached by ClinVar (database versions not stated): gnomAD 0.01253 and 0.01354; TOPMed 0.01377; 1000 Genomes Project 0.01518; 1000 Genomes Project 30x 0.01546.
gnomAD v4.1: 1,891 of 152,242 alleles (1.2%); highest among the groups gnomAD compares: African/African-American, 4.3%; 34 homozygotes.

Submission:

GeneDx
Classification: Likely benign. Last evaluated: 2018-06-14. Review status: criteria provided, single submitter. Criteria: GeneDx Variant Classification (06012015). Collection method: clinical testing. Allele origin: germline. Affected: yes.
Comment: This variant is considered likely benign or benign based on one or more of the following criteria: it is a conservative change, it occurs at a poorly conserved position in the protein, it is predicted to be benign by multiple in silico algorithms, and/or has population frequency not consistent with disease.

NM_033118.4(MYLK2):c.1711-182G>A

Gene: MYLK2 (myosin light chain kinase 2; plus strand). Cytogenetic location: 20q11.21.
Variant type: single nucleotide variant.
Coding change: c.1711-182G>A on transcript NM_033118.4 (MANE Select); 182 bases into the intron before coding-DNA position 1711, G replaced by A.
Molecular consequence: intron variant.
Genome position (GRCh38, 1-based): chr20:31,833,535, G>A. VCF-style: chr20-31833535-G-A. GRCh37 (hg19) VCF-style: chr20-30421338-G-A.
Identifiers: ClinVar variation 672824 (VCV000672824.1), dbSNP rs114661585, ClinGen allele CA313851988.